The following is an entry in ClinVar:

ClinVar aggregate classification (germline): Uncertain significance (1 of 4 stars; one submission).

Conditions:
Ataxia-telangiectasia syndrome (AT). Also called: LOUIS-BAR SYNDROME; Ataxia-telangiectasia, complementation group D; ATAXIA-TELANGIECTASIA, COMPLEMENTATION GROUP A; ATAXIA-TELANGIECTASIA, FRESNO VARIANT; Ataxia-telangiectasia; Ataxia telangiectasia (A-T). Identifiers: Orphanet 100, MedGen C0004135, MONDO:0008840, OMIM 208900.

Submission:

Labcorp Genetics (formerly Invitae), Labcorp
Classification: Uncertain significance for Ataxia-telangiectasia syndrome. Last evaluated: 2023-01-22. Review status: criteria provided, single submitter. Criteria: Invitae Variant Classification Sherloc (09022015). Collection method: clinical testing. Allele origin: germline.
Comment: Algorithms developed to predict the effect of missense changes on protein structure and function are either unavailable or do not agree on the potential impact of this missense change (SIFT: "Deleterious"; PolyPhen-2: "Benign"; Align-GVGD: "Class C0"). In summary, the available evidence is currently insufficient to determine the role of this variant in disease. Therefore, it has been classified as a Variant of Uncertain Significance. This variant is not present in population databases (gnomAD no frequency). This variant has not been reported in the literature in individuals affected with ATM-related conditions. This sequence change replaces proline, which is neutral and non-polar, with leucine, which is neutral and non-polar, at codon 1069 of the ATM protein (p.Pro1069Leu).

NM_000051.4(ATM):c.3206C>T (p.Pro1069Leu)

Gene: ATM (ATM serine/threonine kinase; plus strand). Cytogenetic location: 11q22.3.
Variant type: single nucleotide variant.
Coding change: c.3206C>T on transcript NM_000051.4 (MANE Select); coding-DNA position 3206, C replaced by T.
Protein change: p.Pro1069Leu; replaces proline 1069 with leucine.
Molecular consequence: missense variant.
Genome position (GRCh38, 1-based): chr11:108,272,774, C>T. VCF-style: chr11-108272774-C-T. GRCh37 (hg19) VCF-style: chr11-108143501-C-T.
Other names: c.3206C>T, p.Pro1069Leu (NM_001351834.2); short protein forms P1069L.
Identifiers: ClinVar variation 2831091 (VCV002831091.3), dbSNP rs2135571172, ClinGen allele CA382515789.